The following is an entry in ClinVar:

ClinVar aggregate classification (germline): Uncertain significance. Review status: criteria provided, multiple submitters, no conflicts (2 of 4 stars). 2 submissions from 2 submitters: Uncertain significance (2). Last evaluated 2024-10-24.

Conditions:
Familial sleep-related hypermotor epilepsy. Also called: Autosomal Dominant Sleep-Related Hypermotor (Hyperkinetic) Epilepsy. Identifiers: Orphanet 98784, MedGen C3696898, MONDO:0000030.
Autosomal dominant nocturnal frontal lobe epilepsy 4. Also called: CHRNA2-Related Nocturnal Frontal Lobe Epilepsy, Autosomal Dominant; EPILEPSY, FAMILIAL, WITH NOCTURNAL WANDERING AND ICTAL FEAR. Identifiers: Orphanet 98784, MedGen C1835905, MONDO:0012474, OMIM 610353.

Allele frequency attached by ClinVar (database versions not stated): TOPMed 0.00002; gnomAD exomes 0.00001.
gnomAD v4.1: 8 of 1,614,200 alleles (0.0005%); highest among the groups gnomAD compares: Non-Finnish European, 0.00068%; no homozygotes.

Submissions (2):

Labcorp Genetics (formerly Invitae), Labcorp
Classification: Uncertain significance. Last evaluated: 2024-10-24. Review status: criteria provided, single submitter. Criteria: Invitae Variant Classification Sherloc (09022015). Collection method: clinical testing. Allele origin: germline.
Comment: This sequence change replaces isoleucine, which is neutral and non-polar, with methionine, which is neutral and non-polar, at codon 270 of the CHRNA2 protein (p.Ile270Met). This variant is present in population databases (no rsID available, gnomAD 0.002%). This variant has not been reported in the literature in individuals affected with CHRNA2-related conditions. ClinVar contains an entry for this variant (Variation ID: 543518). Invitae Evidence Modeling of protein sequence and biophysical properties (such as structural, functional, and spatial information, amino acid conservation, physicochemical variation, residue mobility, and thermodynamic stability) indicates that this missense variant is expected to disrupt CHRNA2 protein function with a positive predictive value of 80%. In summary, the available evidence is currently insufficient to determine the role of this variant in disease. Therefore, it has been classified as a Variant of Uncertain Significance.

Fulgent Genetics
Classification: Uncertain significance for Autosomal dominant nocturnal frontal lobe epilepsy 4. Last evaluated: 2021-12-02. Review status: criteria provided, single submitter. Criteria: ACMG Guidelines, 2015. Collection method: clinical testing. Allele origin: unknown.

NM_000742.4(CHRNA2):c.810C>G (p.Ile270Met)

Gene: CHRNA2 (cholinergic receptor nicotinic alpha 2 subunit; minus strand). Cytogenetic location: 8p21.2.
Variant type: single nucleotide variant.
Coding change: c.810C>G on transcript NM_000742.4 (MANE Select); coding-DNA position 810, C replaced by G.
Protein change: p.Ile270Met; replaces isoleucine 270 with methionine.
Molecular consequence: missense variant.
Genome position (GRCh38, 1-based): chr8:27,463,633, G>C on the plus strand (C>G on the coding strand, the complement: CHRNA2 is on the minus strand). VCF-style: chr8-27463633-G-C. GRCh37 (hg19) VCF-style: chr8-27321150-G-C.
Other names: c.765C>G, p.Ile255Met (NM_001282455.2); c.333C>G, p.Ile111Met (NM_001347705.2, NM_001347706.2); c.216C>G, p.Ile72Met (NM_001347707.2, NM_001347708.2); short protein forms I270M, I111M, I72M, I255M.
Identifiers: ClinVar variation 543518 (VCV000543518.6), dbSNP rs892421066, ClinGen allele CA174242240.